The following is an entry in ClinVar:

ClinVar aggregate classification (germline): Uncertain significance. Review status: criteria provided, multiple submitters, no conflicts (2 of 4 stars). 4 submissions from 4 submitters: Uncertain significance (3). 1 of the submissions does not count toward it. Last evaluated 2026-04-06.

Conditions:
EYS-related disorder. Also called: EYS-related condition.
Retinitis pigmentosa 25 (RP25). Identifiers: Orphanet 791, MedGen C1864446, MONDO:0011272, OMIM 602772.

Allele frequency attached by ClinVar (database versions not stated): gnomAD 0.00001; gnomAD exomes 0.00001; TOPMed 0.00001.
gnomAD v4.1: 13 of 1,525,490 alleles (0.00085%); highest among the groups gnomAD compares: Middle Eastern, 0.068%; no homozygotes.

Submissions (4):

PreventionGenetics, part of Exact Sciences
Classification: Uncertain significance for EYS-related condition. Last evaluated: 2026-04-06. Review status: criteria provided, single submitter. Criteria: ACMG Guidelines, 2015. Collection method: clinical testing. Allele origin: germline.
Comment: The EYS c.3922A>G variant is predicted to result in the amino acid substitution p.Thr1308Ala. This variant was reported, along with two other likely causative variants in the same gene, in an individual with retinal degeneration (supplementary data, Zampaglione et al. 2020. PubMed ID: 32037395). This variant is reported in 0.0061% of alleles in individuals of African descent in gnomAD. At this time, the clinical significance of this variant is uncertain due to the absence of conclusive functional and genetic evidence.

Blueprint Genetics
Classification: Uncertain significance. Last evaluated: 2024-01-10. Review status: criteria provided, single submitter. Criteria: ACMG Guidelines, 2015. Collection method: clinical testing. Allele origin: germline.

Labcorp Genetics (formerly Invitae), Labcorp
Classification: Uncertain significance. Last evaluated: 2022-03-10. Review status: criteria provided, single submitter. Criteria: Invitae Variant Classification Sherloc (09022015). Collection method: clinical testing. Allele origin: germline.
Comment: This sequence change replaces threonine, which is neutral and polar, with alanine, which is neutral and non-polar, at codon 1308 of the EYS protein (p.Thr1308Ala). This variant is present in population databases (no rsID available, gnomAD 0.003%). This missense change has been observed in individual(s) with clinical features of EYS-related conditions (PMID: 32037395). ClinVar contains an entry for this variant (Variation ID: 936357). Algorithms developed to predict the effect of missense changes on protein structure and function output the following: SIFT: "Tolerated"; PolyPhen-2: "Benign"; Align-GVGD: "Class C0". The alanine amino acid residue is found in multiple mammalian species, which suggests that this missense change does not adversely affect protein function. In summary, the available evidence is currently insufficient to determine the role of this variant in disease. Therefore, it has been classified as a Variant of Uncertain Significance.

Natera, Inc.
Classification: Uncertain significance for Retinitis pigmentosa type 25. Last evaluated: 2021-02-03. Review status: no assertion criteria provided. Collection method: clinical testing. Allele origin: germline. Not counted in ClinVar's aggregate classification.

Literature cited by the submitters: PubMed 32037395 (cited by Labcorp Genetics (formerly Invitae), Labcorp).

NM_001142800.2(EYS):c.3922A>G (p.Thr1308Ala)

Gene: EYS (EGF-like photoreceptor maintenance factor; minus strand). Cytogenetic location: 6q12.
Variant type: single nucleotide variant.
Coding change: c.3922A>G on transcript NM_001142800.2 (MANE Select); coding-DNA position 3922, A replaced by G.
Protein change: p.Thr1308Ala; replaces threonine 1308 with alanine.
Molecular consequence: missense variant.
Genome position (GRCh38, 1-based): chr6:64,591,945, T>C on the plus strand (A>G on the coding strand, the complement: EYS is on the minus strand). VCF-style: chr6-64591945-T-C. GRCh37 (hg19) VCF-style: chr6-65301838-T-C.
Other names: c.3922A>G, p.Thr1308Ala (NM_001292009.2); short protein forms T1308A.
Identifiers: ClinVar variation 936357 (VCV000936357.7), dbSNP rs1223693086, ClinGen allele CA364784426.